The following is an entry in ClinVar:

NM_002439.5(MSH3):c.2752A>G (p.Ile918Val)

Gene: MSH3 (mutS homolog 3; plus strand). Cytogenetic location: 5q14.1.
Variant type: single nucleotide variant.
Coding change: c.2752A>G on transcript NM_002439.5 (MANE Select); coding-DNA position 2752, A replaced by G.
Protein change: p.Ile918Val; replaces isoleucine 918 with valine.
Molecular consequence: missense variant.
Genome position (GRCh38, 1-based): chr5:80,813,680, A>G. VCF-style: chr5-80813680-A-G. GRCh37 (hg19) VCF-style: chr5-80109499-A-G.
Other names: short protein forms I918V.
Identifiers: ClinVar variation 1795579 (VCV001795579.5), dbSNP rs1561486726, ClinGen allele CA360274004.

ClinVar aggregate classification (germline): Uncertain significance. Review status: criteria provided, multiple submitters, no conflicts (2 of 4 stars). 2 submissions from 2 submitters: Uncertain significance (2). Last evaluated 2025-06-09.

Conditions:
Hereditary cancer-predisposing syndrome. Also called: Tumor predisposition; Hereditary Cancer Syndrome; Neoplastic Syndromes, Hereditary; Hereditary neoplastic syndrome. Identifiers: Orphanet 140162, MedGen C0027672, MeSH D009386, MONDO:0015356.

Allele frequency attached by ClinVar (database versions not stated): gnomAD exomes below 0.00001.
gnomAD v4.1: 2 of 1,614,148 alleles (0.00012%); highest among the groups gnomAD compares: Non-Finnish European, 0.00017%; no homozygotes.

Submissions (2):

Labcorp Genetics (formerly Invitae), Labcorp
Classification: Uncertain significance. Last evaluated: 2025-06-09. Review status: criteria provided, single submitter. Criteria: Invitae Variant Classification Sherloc (09022015). Collection method: clinical testing. Allele origin: germline.
Comment: This sequence change replaces isoleucine, which is neutral and non-polar, with valine, which is neutral and non-polar, at codon 918 of the MSH3 protein (p.Ile918Val). This variant is not present in population databases (gnomAD no frequency). This variant has not been reported in the literature in individuals affected with MSH3-related conditions. ClinVar contains an entry for this variant (Variation ID: 1795579). An algorithm developed to predict the effect of missense changes on protein structure and function outputs the following: PolyPhen-2: "Benign". The valine amino acid residue is found in multiple mammalian species, which suggests that this missense change does not adversely affect protein function. In summary, the available evidence is currently insufficient to determine the role of this variant in disease. Therefore, it has been classified as a Variant of Uncertain Significance.

Ambry Genetics
Classification: Uncertain significance for Hereditary cancer-predisposing syndrome. Last evaluated: 2020-10-19. Review status: criteria provided, single submitter. Criteria: Ambry Variant Classification Scheme 2023. Collection method: clinical testing. Allele origin: germline.
Comment: The p.I918V variant (also known as c.2752A>G), located in coding exon 20 of the MSH3 gene, results from an A to G substitution at nucleotide position 2752. The isoleucine at codon 918 is replaced by valine, an amino acid with highly similar properties. This amino acid position is not well conserved in available vertebrate species. In addition, this alteration is predicted to be tolerated by in silico analysis. Since supporting evidence is limited at this time, the clinical significance of this alteration remains unclear.